The following is an entry in ClinVar:

ClinVar aggregate classification (germline): Benign. Review status: criteria provided, multiple submitters, no conflicts (2 of 4 stars). 5 submissions from 5 submitters: Benign (3). 2 of the submissions do not count toward it. Last evaluated 2018-06-14.

Allele frequency attached by ClinVar (database versions not stated): gnomAD exomes 0.31219; ExAC 0.31225; gnomAD 0.32846 and 0.32957; ESP Exome Variant Server 0.33508; TOPMed 0.33647; 1000 Genomes Project 30x 0.33698; 1000 Genomes Project 0.33946.
gnomAD v4.1: 485,874 of 1,611,162 alleles (30%); highest among the groups gnomAD compares: African/African-American, 41%; 74,592 homozygotes.

Submissions (5):

GeneDx
Classification: Benign. Last evaluated: 2018-06-14. Review status: criteria provided, single submitter. Criteria: GeneDx Variant Classification (06012015). Collection method: clinical testing. Allele origin: germline. Affected: yes.
Comment: This variant is considered likely benign or benign based on one or more of the following criteria: it is a conservative change, it occurs at a poorly conserved position in the protein, it is predicted to be benign by multiple in silico algorithms, and/or has population frequency not consistent with disease.

Eurofins Ntd Llc (ga)
Classification: Benign. Last evaluated: 2016-12-01. Review status: criteria provided, single submitter. Criteria: EGL Classification Definitions 2015. Collection method: clinical testing. Allele origin: germline. Observed: 3 variant alleles, 2 heterozygotes, 1 homozygote.

Breakthrough Genomics
Classification: Benign. Review status: criteria provided, single submitter. Criteria: ACMG Guidelines, 2015. Collection method: not provided. Allele origin: germline. Inheritance: Autosomal recessive inheritance. Affected: yes.

Clinical Genetics, Academic Medical Center
Classification: Benign. Review status: no assertion criteria provided. Collection method: clinical testing. Allele origin: germline. Affected: yes. Study: VKGL Data-share Consensus. Not counted in ClinVar's aggregate classification.

Genome Diagnostics Laboratory, University Medical Center Utrecht
Classification: Benign. Review status: no assertion criteria provided. Collection method: clinical testing. Allele origin: germline. Affected: yes. Study: VKGL Data-share Consensus. Not counted in ClinVar's aggregate classification.

NM_001848.3(COL6A1):c.739-51C>T

Gene: COL6A1 (collagen type VI alpha 1 chain; plus strand). Cytogenetic location: 21q22.3.
Variant type: single nucleotide variant.
Coding change: c.739-51C>T on transcript NM_001848.3 (MANE Select); 51 bases into the intron before coding-DNA position 739, C replaced by T.
Molecular consequence: intron variant.
Genome position (GRCh38, 1-based): chr21:45,987,448, C>T. VCF-style: chr21-45987448-C-T. GRCh37 (hg19) VCF-style: chr21-47407362-C-T.
Identifiers: ClinVar variation 93887 (VCV000093887.8), dbSNP rs62215498, ClinGen allele CA147418.